The following is an entry in ClinVar:

ClinVar aggregate classification (germline): Uncertain significance (1 of 4 stars; one submission).

Conditions:
MOGS-congenital disorder of glycosylation. Also called: MOGS-CDG; CDG 2B; GLUCOSIDASE I DEFICIENCY; CDG IIb. Identifiers: Orphanet 79330, MedGen C1853736, MONDO:0011629, OMIM 606056.

Allele frequency attached by ClinVar (database versions not stated): gnomAD exomes below 0.00001 and 0.00002; ExAC 0.00001; gnomAD 0.00001; TOPMed 0.00001.

Submission:

Labcorp Genetics (formerly Invitae), Labcorp
Classification: Uncertain significance for MOGS-congenital disorder of glycosylation. Last evaluated: 2021-09-17. Review status: criteria provided, single submitter. Criteria: Invitae Variant Classification Sherloc (09022015). Collection method: clinical testing. Allele origin: germline.
Comment: This sequence change replaces tryptophan with arginine at codon 796 of the MOGS protein (p.Trp796Arg). The tryptophan residue is weakly conserved and there is a moderate physicochemical difference between tryptophan and arginine. This variant is present in population databases (rs751932696, ExAC 0.009%). This variant has not been reported in the literature in individuals affected with MOGS-related conditions. Algorithms developed to predict the effect of missense changes on protein structure and function output the following: SIFT: "Tolerated"; PolyPhen-2: "Benign"; Align-GVGD: "Class C0". The arginine amino acid residue is found in multiple mammalian species, which suggests that this missense change does not adversely affect protein function. In summary, the available evidence is currently insufficient to determine the role of this variant in disease. Therefore, it has been classified as a Variant of Uncertain Significance.

NM_006302.3(MOGS):c.2386T>C (p.Trp796Arg)

Gene: MOGS (mannosyl-oligosaccharide glucosidase; minus strand). Cytogenetic location: 2p13.1.
Variant type: single nucleotide variant.
Coding change: c.2386T>C on transcript NM_006302.3 (MANE Select); coding-DNA position 2386, T replaced by C.
Protein change: p.Trp796Arg; replaces tryptophan 796 with arginine.
Molecular consequence: missense variant.
Genome position (GRCh38, 1-based): chr2:74,461,403, A>G on the plus strand (T>C on the coding strand, the complement: MOGS is on the minus strand). VCF-style: chr2-74461403-A-G. GRCh37 (hg19) VCF-style: chr2-74688530-A-G.
Other names: c.2068T>C, p.Trp690Arg (NM_001146158.2); short protein forms W690R, W796R.
Identifiers: ClinVar variation 1357107 (VCV001357107.5), dbSNP rs751932696, ClinGen allele CA1724591.